The following is an entry in ClinVar:

NM_000465.4(BARD1):c.54C>A (p.Asn18Lys)

Gene: BARD1 (BRCA1 associated RING domain 1; minus strand). Cytogenetic location: 2q35.
Variant type: single nucleotide variant.
Coding change: c.54C>A on transcript NM_000465.4 (MANE Select); coding-DNA position 54, C replaced by A.
Protein change: p.Asn18Lys; replaces asparagine 18 with lysine.
Molecular consequence: missense variant. On other transcripts: non-coding transcript variant (3).
Genome position (GRCh38, 1-based): chr2:214,809,516, G>T on the plus strand (C>A on the coding strand, the complement: BARD1 is on the minus strand). VCF-style: chr2-214809516-G-T. GRCh37 (hg19) VCF-style: chr2-215674240-G-T.
Other names: c.54C>A, p.Asn18Lys (NM_001282543.2, NM_001282545.2, NM_001282548.2 and 1 more transcripts); short protein forms N18K.
Identifiers: ClinVar variation 460755 (VCV000460755.24), dbSNP rs587780032, ClinGen allele CA350465250.
Genomic context (GRCh38, chr2:214,809,516, plus strand): 5'-GCGACTGTGGGCCCAGGCACCGCGACCATCCGGTTCCATGGCGGGCGCGGAACGAGGCTC[G>T]TTCCCGGAGCGGATCCTCGGCTGCCGGTTCCTCGGCTGCCGATTATCCGGCATCGTCCCG-3'
Protein context (NP_000456.2, residues 8-28): RNRQPRIRSG[Asn18Lys]EPRSAPAMEP

ClinVar aggregate classification (germline): Conflicting classifications of pathogenicity. Review status: criteria provided, conflicting classifications (1 of 4 stars). 6 submissions from 6 submitters: Uncertain significance (5); Likely benign (1). Last evaluated 2025-06-09.

Conditions:
Hereditary cancer-predisposing syndrome. Also called: Neoplastic Syndromes, Hereditary; Tumor predisposition; Hereditary Cancer Syndrome; Hereditary neoplastic syndrome. Identifiers: Orphanet 140162, MedGen C0027672, MeSH D009386, MONDO:0015356.
Familial cancer of breast. Also called: BREAST CANCER, FAMILIAL; hereditary breast carcinoma; Hereditary breast cancer. Identifiers: Orphanet 227535, MedGen C0346153, MONDO:0016419, OMIM 114480. Disease mechanism: loss of function.

gnomAD v4.1: 1 of 1,596,360 alleles (0.000063%); no homozygotes.

Submissions (6):

Ambry Genetics
Classification: Uncertain significance for Hereditary cancer-predisposing syndrome. Last evaluated: 2025-06-09. Review status: criteria provided, single submitter. Criteria: Ambry Variant Classification Scheme 2023. Collection method: clinical testing. Allele origin: germline.
Comment: The p.N18K variant (also known as c.54C>A), located in coding exon 1 of the BARD1 gene, results from a C to A substitution at nucleotide position 54. The asparagine at codon 18 is replaced by lysine, an amino acid with similar properties. This amino acid position is well conserved in available vertebrate species. In addition, this alteration is predicted to be tolerated by in silico analysis. Since supporting evidence is limited at this time, the clinical significance of this alteration remains unclear.

Labcorp Genetics (formerly Invitae), Labcorp
Classification: Uncertain significance for Familial cancer of breast. Last evaluated: 2025-06-03. Review status: criteria provided, single submitter. Criteria: Invitae Variant Classification Sherloc (09022015). Collection method: clinical testing. Allele origin: germline.
Comment: This sequence change replaces asparagine, which is neutral and polar, with lysine, which is basic and polar, at codon 18 of the BARD1 protein (p.Asn18Lys). This variant is not present in population databases (gnomAD no frequency). This variant has not been reported in the literature in individuals affected with BARD1-related conditions. ClinVar contains an entry for this variant (Variation ID: 460755). An algorithm developed to predict the effect of missense changes on protein structure and function (PolyPhen-2) suggests that this variant is likely to be disruptive. In summary, the available evidence is currently insufficient to determine the role of this variant in disease. Therefore, it has been classified as a Variant of Uncertain Significance.

Myriad Genetics, Inc.
Classification: Likely benign for Familial cancer of breast. Last evaluated: 2024-07-18. Review status: criteria provided, single submitter. Criteria: Myriad Autosomal Dominant, Autosomal Recessive and X-Linked Classification Criteria (2023). Collection method: clinical testing. Allele origin: unknown.
Comment: This variant is considered likely benign. This variant is strongly associated with less severe personal and family histories of cancer, typical for individuals without pathogenic variants in this gene [PMID: 25085752].

Color Diagnostics, LLC DBA Color Health
Classification: Uncertain significance for Hereditary cancer-predisposing syndrome. Last evaluated: 2024-03-07. Review status: criteria provided, single submitter. Criteria: ACMG Guidelines, 2015. Collection method: clinical testing. Allele origin: germline.
Comment: This missense variant replaces asparagine with lysine at codon 18 of the BARD1 protein. Computational prediction suggests that this variant may not impact protein structure and function (internally defined REVEL score threshold <= 0.5, PMID: 27666373). To our knowledge, functional studies have not been reported for this variant. This variant has not been reported in individuals affected with BARD1-related disorders in the literature. This variant has not been identified in the general population by the Genome Aggregation Database (gnomAD). The available evidence is insufficient to determine the role of this variant in disease conclusively. Therefore, this variant is classified as a Variant of Uncertain Significance.

Baylor Genetics
Classification: Uncertain significance for Familial cancer of breast. Last evaluated: 2023-07-21. Review status: criteria provided, single submitter. Criteria: ACMG Guidelines, 2015. Collection method: clinical testing. Allele origin: unknown.

GeneDx
Classification: Uncertain significance. Last evaluated: 2022-04-07. Review status: criteria provided, single submitter. Criteria: GeneDx Variant Classification Process June 2021. Collection method: clinical testing. Allele origin: germline. Affected: yes.
Comment: Not observed at significant frequency in large population cohorts (gnomAD); In silico analysis supports that this missense variant does not alter protein structure/function; Has not been previously published as pathogenic or benign to our knowledge

Literature cited by the submitters: PubMed 25085752 (cited by Myriad Genetics, Inc.).